The following is an entry in ClinVar:

NM_177438.3(DICER1):c.866A>G (p.His289Arg)

Gene: DICER1 (dicer 1, ribonuclease III; minus strand). Cytogenetic location: 14q32.13.
Variant type: single nucleotide variant.
Coding change: c.866A>G on transcript NM_177438.3 (MANE Select); coding-DNA position 866, A replaced by G.
Protein change: p.His289Arg; replaces histidine 289 with arginine.
Molecular consequence: missense variant.
Genome position (GRCh38, 1-based): chr14:95,126,617, T>C on the plus strand (A>G on the coding strand, the complement: DICER1 is on the minus strand). VCF-style: chr14-95126617-T-C. GRCh37 (hg19) VCF-style: chr14-95592954-T-C.
Other names: c.866A>G (NM_177438.2); c.866A>G, p.His289Arg (NM_001195573.1, NM_001271282.3, NM_001291628.2 and 1 more transcripts); short protein forms H289R.
Identifiers: ClinVar variation 1522278 (VCV001522278.8), dbSNP rs2140232724, ClinGen allele CA390887499.

ClinVar aggregate classification (germline): Uncertain significance. Review status: criteria provided, multiple submitters, no conflicts (2 of 4 stars). 2 submissions from 2 submitters: Uncertain significance (2). Last evaluated 2025-07-02.

Conditions:
DICER1-related tumor predisposition. Also called: DICER1 syndrome; DICER1-related pleuropulmonary blastoma cancer predisposition syndrome. Identifiers: Orphanet 284343, MedGen C3839822, MONDO:0100216.
Hereditary cancer-predisposing syndrome. Also called: Tumor predisposition; Hereditary neoplastic syndrome; Neoplastic Syndromes, Hereditary; Hereditary Cancer Syndrome. Identifiers: Orphanet 140162, MedGen C0027672, MeSH D009386, MONDO:0015356.

Submissions (2):

Labcorp Genetics (formerly Invitae), Labcorp
Classification: Uncertain significance for DICER1-related tumor predisposition. Last evaluated: 2025-07-02. Review status: criteria provided, single submitter. Criteria: Invitae Variant Classification Sherloc (09022015). Collection method: clinical testing. Allele origin: germline.
Comment: This sequence change replaces histidine, which is basic and polar, with arginine, which is basic and polar, at codon 289 of the DICER1 protein (p.His289Arg). This variant is not present in population databases (gnomAD no frequency). This variant has not been reported in the literature in individuals affected with DICER1-related conditions. ClinVar contains an entry for this variant (Variation ID: 1522278). Invitae Evidence Modeling of protein sequence and biophysical properties (such as structural, functional, and spatial information, amino acid conservation, physicochemical variation, residue mobility, and thermodynamic stability) indicates that this missense variant is not expected to disrupt DICER1 protein function with a negative predictive value of 95%. In summary, the available evidence is currently insufficient to determine the role of this variant in disease. Therefore, it has been classified as a Variant of Uncertain Significance.

Ambry Genetics
Classification: Uncertain significance for Hereditary cancer-predisposing syndrome. Last evaluated: 2024-07-13. Review status: criteria provided, single submitter. Criteria: Ambry Variant Classification Scheme 2023. Collection method: clinical testing. Allele origin: germline.
Comment: The p.H289R variant (also known as c.866A>G), located in coding exon 6 of the DICER1 gene, results from an A to G substitution at nucleotide position 866. The histidine at codon 289 is replaced by arginine, an amino acid with highly similar properties. This amino acid position is conserved. In addition, this alteration is predicted to be tolerated by in silico analysis. Based on the available evidence, the clinical significance of this variant remains unclear.